The following is an entry in ClinVar:

ClinVar aggregate classification (germline): Uncertain significance (1 of 4 stars; one submission).

Conditions:
Emery-Dreifuss muscular dystrophy 4, autosomal dominant (EDMD4). Also called: EMERY-DREIFUSS MUSCULAR DYSTROPHY 4 WITH VARIABLE FEATURES. Identifiers: Orphanet 261, MedGen C2751807, MONDO:0013071, OMIM 612998.
Autosomal recessive ataxia, Beauce type. Also called: SYNE1 Deficiency; Spinocerebellar ataxia, autosomal recessive 8; ATAXIA, RECESSIVE, OF BEAUCE; SYNE1-Related Autosomal Recessive Cerebellar Ataxia. Identifiers: Orphanet 88644, MedGen C1853116, MONDO:0012549, OMIM 610743.

Submission:

Labcorp Genetics (formerly Invitae), Labcorp
Classification: Uncertain significance for Emery-Dreifuss muscular dystrophy 4, autosomal dominant; Autosomal recessive ataxia, Beauce type. Last evaluated: 2022-06-19. Review status: criteria provided, single submitter. Criteria: Invitae Variant Classification Sherloc (09022015). Collection method: clinical testing. Allele origin: germline.
Comment: This variant is not present in population databases (gnomAD no frequency). This sequence change replaces glutamine, which is neutral and polar, with glutamic acid, which is acidic and polar, at codon 3367 of the SYNE1 protein (p.Gln3367Glu). This variant has not been reported in the literature in individuals affected with SYNE1-related conditions. In summary, the available evidence is currently insufficient to determine the role of this variant in disease. Therefore, it has been classified as a Variant of Uncertain Significance. Algorithms developed to predict the effect of missense changes on protein structure and function (SIFT, PolyPhen-2, Align-GVGD) all suggest that this variant is likely to be tolerated.

NM_182961.4(SYNE1):c.10078C>G (p.Gln3360Glu)

Gene: SYNE1 (spectrin repeat containing nuclear envelope protein 1; minus strand). Cytogenetic location: 6q25.2.
Variant type: single nucleotide variant.
Coding change: c.10078C>G on transcript NM_182961.4 (MANE Select); coding-DNA position 10078, C replaced by G.
Protein change: p.Gln3360Glu; replaces glutamine 3360 with glutamic acid.
Molecular consequence: missense variant.
Genome position (GRCh38, 1-based): chr6:152,364,914, G>C on the plus strand (C>G on the coding strand, the complement: SYNE1 is on the minus strand). VCF-style: chr6-152364914-G-C. GRCh37 (hg19) VCF-style: chr6-152686049-G-C.
Other names: c.10099C>G, p.Gln3367Glu (NM_033071.5); short protein forms Q3360E, Q3367E.
Identifiers: ClinVar variation 1975390 (VCV001975390.5), dbSNP rs774710219, ClinGen allele CA366132730.